The following is an entry in ClinVar:

NM_000179.3(MSH6):c.450A>T (p.Pro150=)

Gene: MSH6 (mutS homolog 6; plus strand). Cytogenetic location: 2p16.3.
Variant type: single nucleotide variant.
Coding change: c.450A>T on transcript NM_000179.3 (MANE Select); coding-DNA position 450, A replaced by T.
Protein change: p.Pro150=; no amino-acid change (proline 150 retained).
Molecular consequence: synonymous variant. On other transcripts: 5 prime UTR variant (2), intron variant (1).
Genome position (GRCh38, 1-based): chr2:47,791,116, A>T. VCF-style: chr2-47791116-A-T. GRCh37 (hg19) VCF-style: chr2-48018255-A-T.
Other names: c.450A>T (NM_000179.2); c.-287A>T (NM_001281493.2); c.-453A>T (NM_001281494.2); c.238-7495A>T (NM_001281492.2).
Identifiers: ClinVar variation 1133542 (VCV001133542.11), dbSNP rs1553410383, ClinGen allele CA425989614.

ClinVar aggregate classification (germline): Benign/Likely benign. Review status: criteria provided, multiple submitters, no conflicts (2 of 4 stars). 3 submissions from 3 submitters: Benign (1); Likely benign (2). Last evaluated 2024-12-18.

Conditions:
Hereditary nonpolyposis colorectal neoplasms. Identifiers: MedGen C0009405, MeSH D003123.
Hereditary cancer-predisposing syndrome. Also called: Neoplastic Syndromes, Hereditary; Hereditary Cancer Syndrome; Tumor predisposition; Hereditary neoplastic syndrome. Identifiers: Orphanet 140162, MedGen C0027672, MeSH D009386, MONDO:0015356.
Lynch syndrome 5 (LYNCH5). Also called: Colorectal cancer, hereditary nonpolyposis, type 5; Hereditary non-polyposis colorectal cancer, type 5. Identifiers: Orphanet 144, MedGen C1833477, MONDO:0013710, OMIM 614350. Disease mechanism: loss of function.

Submissions (3):

Myriad Genetics, Inc.
Classification: Benign for Lynch syndrome 5. Last evaluated: 2024-12-18. Review status: criteria provided, single submitter. Criteria: Myriad Autosomal Dominant, Autosomal Recessive and X-Linked Classification Criteria (2023). Collection method: clinical testing. Allele origin: unknown.
Comment: This variant is considered benign. This variant is a silent/synonymous amino acid change and it is not expected to impact splicing.

Ambry Genetics
Classification: Likely benign for Hereditary cancer-predisposing syndrome. Last evaluated: 2024-07-06. Review status: criteria provided, single submitter. Criteria: Ambry Variant Classification Scheme 2023. Collection method: clinical testing. Allele origin: germline.

Labcorp Genetics (formerly Invitae), Labcorp
Classification: Likely benign for Hereditary nonpolyposis colorectal neoplasms. Last evaluated: 2023-12-01. Review status: criteria provided, single submitter. Criteria: Invitae Variant Classification Sherloc (09022015). Collection method: clinical testing. Allele origin: germline.